The following is an entry in ClinVar:

NC_000007.13:g.(?_128407490)_(128412733_?)del

Genes: CALU (calumenin; plus strand), OPN1SW (opsin 1, short wave sensitive; minus strand). Cytogenetic location: 7q32.1.
Variant type: Deletion.
Identifiers: ClinVar variation 3245871 (VCV003245871.1).

ClinVar aggregate classification (germline): Uncertain significance (1 of 4 stars; one submission).

Submission:

Labcorp Genetics (formerly Invitae), Labcorp
Classification: Uncertain significance. Last evaluated: 2023-06-10. Review status: criteria provided, single submitter. Criteria: Invitae Variant Classification Sherloc (09022015). Collection method: clinical testing. Allele origin: unknown.
Comment: In summary, the available evidence is currently insufficient to determine the role of this variant in disease. Therefore, it has been classified as a Variant of Uncertain Significance. Experimental studies and prediction algorithms are not available or were not evaluated, and the functional significance of this variant is currently unknown. This variant has not been reported in the literature in individuals affected with OPN1SW-related conditions. This variant is a gross deletion of the genomic region encompassing exon(s) 5 of the OPN1SW gene, which includes the termination codon. This deletion extends beyond the assayed region for this gene and therefore may encompass additional genes. While this deletion is not anticipated to lead to nonsense mediated decay, it is expected to alter mRNA translation or result in a truncated protein product.